The following is an entry in ClinVar:

NM_016156.6(MTMR2):c.*2014T>G

Gene: MTMR2 (myotubularin related protein 2; minus strand). Cytogenetic location: 11q21.
Variant type: single nucleotide variant.
Coding change: c.*2014T>G on transcript NM_016156.6 (MANE Select); 2014 bases downstream of the stop codon, T replaced by G.
Molecular consequence: 3 prime UTR variant.
Genome position (GRCh38, 1-based): chr11:95,833,276, A>C on the plus strand (T>G on the coding strand, the complement: MTMR2 is on the minus strand). VCF-style: chr11-95833276-A-C. GRCh37 (hg19) VCF-style: chr11-95566440-A-C.
Other names: c.*2014T>G (NM_001243571.2, NM_201278.3, NM_201281.3).
Identifiers: ClinVar variation 306504 (VCV000306504.6), dbSNP rs112404010, ClinGen allele CA10631743.

ClinVar aggregate classification (germline): Benign. Review status: criteria provided, multiple submitters, no conflicts (2 of 4 stars). 2 submissions from 2 submitters: Benign (2). Last evaluated 2018-01-12.

Conditions:
Charcot-Marie-Tooth disease type 4B1. Also called: CHARCOT-MARIE-TOOTH DISEASE, AUTOSOMAL RECESSIVE, WITH FOCALLY FOLDED MYELIN SHEATHS, AUTOSOMAL RECESSIVE, TYPE 4B1; CHARCOT-MARIE-TOOTH DISEASE, TYPE 4B; Charcot-Marie-Tooth Neuropathy Type 4B1; CHARCOT-MARIE-TOOTH DISEASE, DEMYELINATING, TYPE 4B1. Identifiers: Orphanet 99955, MedGen C1832399, MONDO:0011066, OMIM 601382.

Allele frequency attached by ClinVar (database versions not stated): TOPMed 0.03197; gnomAD 0.03885; 1000 Genomes Project 0.04473; 1000 Genomes Project 30x 0.04763.

Submissions (2):

Illumina Laboratory Services, Illumina
Classification: Benign for Charcot-Marie-Tooth disease type 4B1. Last evaluated: 2018-01-12. Review status: criteria provided, single submitter. Criteria: ICSL Variant Classification Criteria 13 December 2019. Collection method: clinical testing. Allele origin: germline.
Comment: This variant was observed in the ICSL laboratory as part of a predisposition screen in an ostensibly healthy population. It had not been previously curated by ICSL or reported in the Human Gene Mutation Database (HGMD: prior to June 1st, 2018), and was therefore a candidate for classification through an automated scoring system. Utilizing variant allele frequency, disease prevalence and penetrance estimates, and inheritance mode, an automated score was calculated to assess if this variant is too frequent to cause the disease. Based on the score and internal cut-off values, a variant classified as benign is not then subjected to further curation. The score for this variant resulted in a classification of benign for this disease.

Breakthrough Genomics
Classification: Benign. Review status: criteria provided, single submitter. Criteria: ACMG Guidelines, 2015. Collection method: not provided. Allele origin: germline. Inheritance: Autosomal recessive inheritance. Affected: yes.